The following is an entry in ClinVar:

NM_015164.4(PLEKHM2):c.1738A>G (p.Met580Val)

Gene: PLEKHM2 (pleckstrin homology and RUN domain containing M2; plus strand). Cytogenetic location: 1p36.21.
Variant type: single nucleotide variant.
Coding change: c.1738A>G on transcript NM_015164.4 (MANE Select); coding-DNA position 1738, A replaced by G.
Protein change: p.Met580Val; replaces methionine 580 with valine.
Molecular consequence: missense variant.
Genome position (GRCh38, 1-based): chr1:15,727,810, A>G. VCF-style: chr1-15727810-A-G. GRCh37 (hg19) VCF-style: chr1-16054305-A-G.
Other names: short protein forms M580V.
Identifiers: ClinVar variation 576149 (VCV000576149.9), dbSNP rs375845025, ClinGen allele CA616983.

ClinVar aggregate classification (germline): Uncertain significance. Review status: criteria provided, multiple submitters, no conflicts (2 of 4 stars). 2 submissions from 2 submitters: Uncertain significance (2). Last evaluated 2026-01-15.

Allele frequency attached by ClinVar (database versions not stated): gnomAD exomes 0.00002; ExAC 0.00009; TOPMed 0.00014; ESP Exome Variant Server 0.00016; gnomAD 0.00016 and 0.00021.
gnomAD v4.1: 62 of 1,591,144 alleles (0.0039%); highest among the groups gnomAD compares: African/African-American, 0.063%; no homozygotes.

Submissions (2):

Labcorp Genetics (formerly Invitae), Labcorp
Classification: Uncertain significance. Last evaluated: 2026-01-15. Review status: criteria provided, single submitter. Criteria: Invitae Variant Classification Sherloc (09022015). Collection method: clinical testing. Allele origin: germline.
Comment: This sequence change replaces methionine, which is neutral and non-polar, with valine, which is neutral and non-polar, at codon 580 of the PLEKHM2 protein (p.Met580Val). This variant is present in population databases (rs375845025, gnomAD 0.05%). This variant has not been reported in the literature in individuals affected with PLEKHM2-related conditions. ClinVar contains an entry for this variant (Variation ID: 576149). An algorithm developed to predict the effect of missense changes on protein structure and function outputs the following: PolyPhen-2: "Benign". The valine amino acid residue is found in multiple mammalian species, which suggests that this missense change does not adversely affect protein function. In summary, the available evidence is currently insufficient to determine the role of this variant in disease. Therefore, it has been classified as a Variant of Uncertain Significance.

Ambry Genetics
Classification: Uncertain significance. Last evaluated: 2021-09-01. Review status: criteria provided, single submitter. Criteria: Ambry Variant Classification Scheme 2023. Collection method: clinical testing. Allele origin: germline.